The following is an entry in ClinVar:

ClinVar aggregate classification (germline): Uncertain significance (1 of 4 stars; one submission).

gnomAD v4.1: 1 of 1,605,642 alleles (0.000062%); highest among the groups gnomAD compares: Non-Finnish European, 0.000085%; no homozygotes.

Submission:

Women's Health and Genetics/Laboratory Corporation of America, LabCorp
Classification: Uncertain significance. Last evaluated: 2026-06-08. Review status: criteria provided, single submitter. Criteria: LabCorp Variant Classification Summary - May 2015. Collection method: clinical testing. Allele origin: germline.
Comment: Variant summary: SGCA c.312+6G>C alters a non-conserved nucleotide located close to a canonical splice site and therefore could affect mRNA splicing, leading to a significantly altered protein sequence. Consensus agreement among computation tools predict no significant impact on normal splicing. However, these predictions have yet to be confirmed by functional studies. The variant was absent in 238058 control chromosomes. The available data on variant occurrences in the general population are insufficient to allow any conclusion about variant significance. To our knowledge, no occurrence of c.312+6G>C in individuals affected with SGCA-related conditions and no experimental evidence demonstrating its impact on protein function have been reported. No submitters have cited clinical-significance assessments for this variant to ClinVar. Based on the evidence outlined above, the variant was classified as uncertain significance.

NM_000023.4(SGCA):c.312+6G>C

Gene: SGCA (sarcoglycan alpha; plus strand). Cytogenetic location: 17q21.33.
Variant type: single nucleotide variant.
Coding change: c.312+6G>C on transcript NM_000023.4 (MANE Select); 6 bases into the intron after coding-DNA position 312, G replaced by C.
Molecular consequence: intron variant.
Genome position (GRCh38, 1-based): chr17:50,167,742, G>C. VCF-style: chr17-50167742-G-C. GRCh37 (hg19) VCF-style: chr17-48245103-G-C.
Other names: c.312+6G>C (NM_001135697.3).
Identifiers: ClinVar variation 4887425 (VCV004887425.1).